The following is an entry in ClinVar:

NM_001854.4(COL11A1):c.2043+8G>A

Gene: COL11A1 (collagen type XI alpha 1 chain; minus strand). Cytogenetic location: 1p21.1.
Variant type: single nucleotide variant.
Coding change: c.2043+8G>A on transcript NM_001854.4 (MANE Select); 8 bases into the intron after coding-DNA position 2043, G replaced by A.
Molecular consequence: intron variant.
Genome position (GRCh38, 1-based): chr1:103,002,739, C>T on the plus strand (G>A on the coding strand, the complement: COL11A1 is on the minus strand). VCF-style: chr1-103002739-C-T. GRCh37 (hg19) VCF-style: chr1-103468295-C-T.
Other names: p.?; c.1926+8G>A (NM_001190709.2); c.2079+8G>A (NM_080629.3); c.1695+8G>A (NM_080630.4).
Identifiers: ClinVar variation 258442 (VCV000258442.28), dbSNP rs2622875, ClinGen allele CA974653.

ClinVar aggregate classification (germline): Benign. Review status: criteria provided, multiple submitters, no conflicts (2 of 4 stars). 16 submissions from 15 submitters: Benign (12). 4 of the submissions do not count toward it. Last evaluated 2026-05-09.

Conditions:
Connective tissue disorder. Also called: Connective tissue disease. Identifiers: MedGen C0009782, MONDO:0003900.
Fibrochondrogenesis 1 (FBCG1). Identifiers: Orphanet 2021, MedGen C3278138, MONDO:0009226, OMIM 228520.
Stickler syndrome type 2 (STL2). Also called: STICKLER SYNDROME, BEADED VITREOUS TYPE; STICKLER SYNDROME, VITREOUS TYPE 2; STICKLER SYNDROME, TYPE II; COL11A1-Related Stickler Syndrome. Identifiers: Orphanet 828, Orphanet 90654, MedGen C1858084, MONDO:0011493, OMIM 604841.

Allele frequency attached by ClinVar (database versions not stated): gnomAD exomes 0.02410 and 0.02938; ExAC 0.03004; 1000 Genomes Project 0.04093; gnomAD 0.04440 and 0.04635; 1000 Genomes Project 30x 0.04482; TOPMed 0.04736; ESP Exome Variant Server 0.04752.
gnomAD v4.1: 42,287 of 1,609,480 alleles (2.6%); highest among the groups gnomAD compares: African/African-American, 10%; 878 homozygotes.

Submissions (16):

Women's Health and Genetics/Laboratory Corporation of America, LabCorp
Classification: Benign. Last evaluated: 2026-05-09. Review status: criteria provided, single submitter. Criteria: LabCorp Variant Classification Summary - May 2015. Collection method: clinical testing. Allele origin: germline.

Labcorp Genetics (formerly Invitae), Labcorp
Classification: Benign. Last evaluated: 2026-02-04. Review status: criteria provided, single submitter. Criteria: Invitae Variant Classification Sherloc (09022015). Collection method: clinical testing. Allele origin: germline.

ARUP Laboratories, Molecular Genetics and Genomics, ARUP Laboratories
Classification: Benign. Last evaluated: 2025-05-08. Review status: criteria provided, single submitter. Criteria: ARUP Molecular Germline Variant Investigation Process 2024. Collection method: clinical testing. Allele origin: germline.

Blueprint Genetics
Classification: Benign. Last evaluated: 2024-11-26. Review status: criteria provided, single submitter. Criteria: ACMG Guidelines, 2015. Collection method: clinical testing. Allele origin: germline.

Genome Diagnostics Laboratory, The Hospital for Sick Children
Classification: Benign for Connective tissue disorder. Last evaluated: 2022-04-01. Review status: criteria provided, single submitter. Criteria: ACMG Guidelines, 2015. Collection method: clinical testing. Allele origin: germline.

Mayo Clinic Laboratories, Mayo Clinic
Classification: Benign. Last evaluated: 2022-03-04. Review status: criteria provided, single submitter. Criteria: ACMG Guidelines, 2015. Collection method: clinical testing. Allele origin: germline. Observed: 7 variant alleles.

Athena Diagnostics
Classification: Benign. Last evaluated: 2018-05-24. Review status: criteria provided, single submitter. Criteria: Athena Diagnostics Criteria. Collection method: clinical testing. Allele origin: germline.

Illumina Laboratory Services, Illumina
Classification: Benign for Stickler syndrome type 2. Last evaluated: 2018-01-12. Review status: criteria provided, single submitter. Criteria: ICSL Variant Classification Criteria 13 December 2019. Collection method: clinical testing. Allele origin: germline.
Comment: This variant was observed in the ICSL laboratory as part of a predisposition screen in an ostensibly healthy population. It had not been previously curated by ICSL or reported in the Human Gene Mutation Database (HGMD: prior to June 1st, 2018), and was therefore a candidate for classification through an automated scoring system. Utilizing variant allele frequency, disease prevalence and penetrance estimates, and inheritance mode, an automated score was calculated to assess if this variant is too frequent to cause the disease. Based on the score and internal cut-off values, a variant classified as benign is not then subjected to further curation. The score for this variant resulted in a classification of benign for this disease.

Illumina Laboratory Services, Illumina
Classification: Benign for Fibrochondrogenesis 1. Last evaluated: 2018-01-12. Review status: criteria provided, single submitter. Criteria: ICSL Variant Classification Criteria 13 December 2019. Collection method: clinical testing. Allele origin: germline.
Comment: the same text as in the submission from Illumina Laboratory Services, Illumina above.

GeneDx
Classification: Benign. Last evaluated: 2016-10-03. Review status: criteria provided, single submitter. Criteria: GeneDx Variant Classification (06012015). Collection method: clinical testing. Allele origin: germline. Affected: yes.
Comment: This variant is considered likely benign or benign based on one or more of the following criteria: it is a conservative change, it occurs at a poorly conserved position in the protein, it is predicted to be benign by multiple in silico algorithms, and/or has population frequency not consistent with disease.

Breakthrough Genomics
Classification: Benign. Review status: criteria provided, single submitter. Criteria: ACMG Guidelines, 2015. Collection method: not provided. Allele origin: germline. Inheritance: Autosomal recessive inheritance. Affected: yes.

PreventionGenetics, part of Exact Sciences
Classification: Benign. Review status: criteria provided, single submitter. Criteria: ACMG Guidelines, 2015. Collection method: clinical testing. Allele origin: germline.

Genome Diagnostics Laboratory, Amsterdam University Medical Center
Classification: Benign. Review status: no assertion criteria provided. Collection method: clinical testing. Allele origin: germline. Affected: yes. Study: VKGL Data-share Consensus. Not counted in ClinVar's aggregate classification.

Genome Diagnostics Laboratory, University Medical Center Utrecht
Classification: Benign. Review status: no assertion criteria provided. Collection method: clinical testing. Allele origin: germline. Affected: yes. Study: VKGL Data-share Consensus. Not counted in ClinVar's aggregate classification.

Joint Genome Diagnostic Labs from Nijmegen and Maastricht, Radboudumc and MUMC+
Classification: Benign. Review status: no assertion criteria provided. Collection method: clinical testing. Allele origin: germline. Affected: yes. Study: VKGL Data-share Consensus. Not counted in ClinVar's aggregate classification.

Laboratory of Diagnostic Genome Analysis, Leiden University Medical Center (LUMC)
Classification: Likely benign. Review status: no assertion criteria provided. Collection method: clinical testing. Allele origin: germline. Affected: yes. Study: VKGL Data-share Consensus. Not counted in ClinVar's aggregate classification.